The following is an entry in ClinVar:

NM_001370658.1(BTD):c.45_46insCCT (p.Cys15_Tyr16insPro)

Gene: BTD (biotinidase; plus strand). Cytogenetic location: 3p25.1.
Variant type: Insertion.
Coding change: c.45_46insCCT on transcript NM_001370658.1 (MANE Select); coding-DNA positions 45 to 46, CCT inserted.
Protein change: p.Cys15_Tyr16insPro.
Molecular consequence: inframe insertion.
Genome position: GRCh38 VCF-style: chr3-15635483-G-GTCC. GRCh37 (hg19) VCF-style: chr3-15676990-G-GTCC.
Other names: c.45_46insCCT, p.Cys15_Tyr16insPro (NM_001281723.4, NM_001281724.3, NM_001281725.3 and 37 more transcripts).
Identifiers: ClinVar variation 3388935 (VCV003388935.14).
Genomic context (GRCh38, chr3:15,635,483, plus strand): 5'-GATTTGTGGTCTGCATTATGTCTGGAGCCAGAAGTAAGCTTGCTCTTTTCCTCTGCGGCT[G>GTCC]TTACGTGGTTGCCCTGGGAGCCCACACCGGGGAGGAGAGCGTGGCTGACCATCACGAGGC-3'

ClinVar aggregate classification (germline): Uncertain significance (1 of 4 stars; one submission).

Submission:

CeGaT Center for Human Genetics Tuebingen
Classification: Uncertain significance. Last evaluated: 2024-11-01. Review status: criteria provided, single submitter. Criteria: CeGaT Center For Human Genetics Tuebingen Variant Classification Criteria Version 2. Collection method: clinical testing. Allele origin: germline. Affected: yes. Observed: 1 variant allele.
Comment: BTD: PM2, PM4:Supporting